The following is an entry in ClinVar:

NM_001042545.2(LTBP4):c.573_590dup (p.Ala198_Pro199insArgAlaGluAlaAlaAla)

Gene: LTBP4 (latent transforming growth factor beta binding protein 4; plus strand). Cytogenetic location: 19q13.2.
Variant type: Duplication.
Coding change: c.573_590dup on transcript NM_001042545.2 (MANE Select); coding-DNA positions 573 to 590, 18 bases duplicated (GGCGCGGGCGGAGGCGGC).
Protein change: p.Ala198_Pro199insArgAlaGluAlaAlaAla.
Genome position (GRCh38, 1-based): chr19:40,605,535-40,605,552, GGCGCGGGCGGAGGCGGC duplicated; duplicating any 18 consecutive bases within chr19:40,605,530-40,605,552 gives the same sequence; the c. name uses the placement nearest the transcript's 3' end. VCF-style (leftmost placement, unchanged base first): chr19-40605529-A-AGCGGCGGCGCGGGCGGAG. GRCh37 (hg19) VCF-style: chr19-41111435-A-AGCGGCGGCGCGGGCGGAG.
Other names: c.774_791dup, p.Ala265_Pro266insArgAlaGluAlaAlaAla (NM_001042544.1); c.663_680dup, p.Ala228_Pro229insArgAlaGluAlaAlaAla (NM_003573.2).
Identifiers: ClinVar variation 3766130 (VCV003766130.1).
Genomic context (GRCh38, chr19:40,605,529, plus strand): 5'-GGTGGAGCGTGTGTCTGGCCCTTGGGAGGAGGCGGACGCTGAGGCGGTGGCGCGGGCGGA[A>AGCGGCGGCGCGGGCGGAG]GCGGCGGCGCGGGCGGAGGCGGCAGCGCCCTACACGGTGTTGGCACAGAGCGCGCCGCGG-3'

ClinVar aggregate classification (germline): Uncertain significance (1 of 4 stars; one submission).

Submission:

GeneDx
Classification: Uncertain significance. Last evaluated: 2024-09-03. Review status: criteria provided, single submitter. Criteria: GeneDx Variant Classification Process June 2021. Collection method: clinical testing. Allele origin: germline. Affected: yes.
Comment: Not observed at significant frequency in large population cohorts (gnomAD); In-frame insertion of 6 amino acids in a non-repeat region; Has not been previously published as pathogenic or benign to our knowledge